The following is an entry in ClinVar:

NM_020778.5(ALPK3):c.157C>A (p.Arg53=)

Gene: ALPK3 (alpha kinase 3; plus strand). Cytogenetic location: 15q25.3.
Variant type: single nucleotide variant.
Coding change: c.157C>A on transcript NM_020778.5 (MANE Select); coding-DNA position 157, C replaced by A.
Protein change: p.Arg53=; no amino-acid change (arginine 53 retained).
Molecular consequence: synonymous variant.
Genome position (GRCh38, 1-based): chr15:84,823,343, C>A. VCF-style: chr15-84823343-C-A. GRCh37 (hg19) VCF-style: chr15-85366574-C-A.
Identifiers: ClinVar variation 3012161 (VCV003012161.3), dbSNP rs759865340, ClinGen allele CA492009295.

ClinVar aggregate classification (germline): Uncertain significance (1 of 4 stars; one submission).

Submission:

Labcorp Genetics (formerly Invitae), Labcorp
Classification: Uncertain significance. Last evaluated: 2023-10-04. Review status: criteria provided, single submitter. Criteria: Invitae Variant Classification Sherloc (09022015). Collection method: clinical testing. Allele origin: germline.
Comment: This sequence change affects codon 255 of the ALPK3 mRNA. It is a 'silent' change, meaning that it does not change the encoded amino acid sequence of the ALPK3 protein. This variant is not present in population databases (gnomAD no frequency). This variant has not been reported in the literature in individuals affected with ALPK3-related conditions. Algorithms developed to predict the effect of sequence changes on RNA splicing suggest that this variant may disrupt the consensus splice site. In summary, the available evidence is currently insufficient to determine the role of this variant in disease. Therefore, it has been classified as a Variant of Uncertain Significance.